The following is an entry in ClinVar:

ClinVar aggregate classification (germline): Conflicting classifications of pathogenicity. Review status: criteria provided, conflicting classifications (1 of 4 stars). 4 submissions from 4 submitters: Uncertain significance (3); Likely benign (1). Last evaluated 2026-01-02.

Conditions:
Hereditary cancer-predisposing syndrome. Also called: Tumor predisposition; Hereditary Cancer Syndrome; Hereditary neoplastic syndrome; Neoplastic Syndromes, Hereditary. Identifiers: Orphanet 140162, MedGen C0027672, MeSH D009386, MONDO:0015356.
Familial adenomatous polyposis 2. Also called: FAP type 2; MUTYH Polyposis; COLORECTAL ADENOMATOUS POLYPOSIS, AUTOSOMAL RECESSIVE; ADENOMAS, MULTIPLE COLORECTAL, AUTOSOMAL RECESSIVE; MUTYH-associated polyposis; MUTYH-related attenuated familial adenomatous polyposis. Identifiers: Orphanet 220460, Orphanet 247798, MedGen C3272841, MONDO:0012041, OMIM 608456.

Submissions (4):

Labcorp Genetics (formerly Invitae), Labcorp
Classification: Uncertain significance for Familial adenomatous polyposis 2. Last evaluated: 2026-01-02. Review status: criteria provided, single submitter. Criteria: Invitae Variant Classification Sherloc (09022015). Collection method: clinical testing. Allele origin: germline.
Comment: This sequence change replaces arginine, which is basic and polar, with proline, which is neutral and non-polar, at codon 534 of the MUTYH protein (p.Arg534Pro). This variant is present in population databases (rs3219497, gnomAD 0.007%). This variant has not been reported in the literature in individuals affected with MUTYH-related conditions. ClinVar contains an entry for this variant (Variation ID: 819646). An algorithm developed to predict the effect of missense changes on protein structure and function (PolyPhen-2) suggests that this variant is likely to be disruptive. In summary, the available evidence is currently insufficient to determine the role of this variant in disease. Therefore, it has been classified as a Variant of Uncertain Significance.

Ambry Genetics
Classification: Likely benign for Hereditary cancer-predisposing syndrome. Last evaluated: 2025-09-09. Review status: criteria provided, single submitter. Criteria: Ambry Variant Classification Scheme 2023. Collection method: clinical testing. Allele origin: germline.

All of Us Research Program, National Institutes of Health
Classification: Uncertain significance for Familial adenomatous polyposis 2. Last evaluated: 2024-04-25. Review status: criteria provided, single submitter. Criteria: ACMG Guidelines, 2015. Collection method: clinical testing. Allele origin: germline. Inheritance: Autosomal recessive inheritance. Observed: 1 variant allele, 1 heterozygote.
Comment: This missense variant replaces arginine with proline at codon 534 of the MUTYH protein. Computational prediction suggests that this variant may not impact protein structure and function. To our knowledge, functional studies have not been reported for this variant. This variant has not been reported in individuals affected with MUTYH-related disorders in the literature. This variant has been identified in 1/251496 chromosomes in the general population by the Genome Aggregation Database (gnomAD). The available evidence is insufficient to determine the role of this variant in disease conclusively. Therefore, this variant is classified as a Variant of Uncertain Significance.

This study involves interpretation of variants in research participants for the purpose of population health screening. Participant phenotype was not available at the time of variant classification. Additional details can be found in publication PMID: 35346344, PMCID: PMC8962531

Baylor Genetics
Classification: Uncertain significance for Familial adenomatous polyposis 2. Last evaluated: 2023-11-07. Review status: criteria provided, single submitter. Criteria: ACMG Guidelines, 2015. Collection method: clinical testing. Allele origin: unknown.

NM_001048174.2(MUTYH):c.1517G>C (p.Arg506Pro)

Gene: MUTYH (mutY DNA glycosylase; minus strand). Cytogenetic location: 1p34.1.
Variant type: single nucleotide variant.
Coding change: c.1517G>C on transcript NM_001048174.2 (MANE Select); coding-DNA position 1517, G replaced by C.
Protein change: p.Arg506Pro; replaces arginine 506 with proline.
Molecular consequence: missense variant. On other transcripts: non-coding transcript variant (2).
Genome position (GRCh38, 1-based): chr1:45,329,355, C>G on the plus strand (G>C on the coding strand, the complement: MUTYH is on the minus strand). VCF-style: chr1-45329355-C-G. GRCh37 (hg19) VCF-style: chr1-45795027-C-G.
Other names: c.1517G>C, p.Arg506Pro (NM_001048171.2, NM_001048173.2, NM_001293195.2); c.1520G>C, p.Arg507Pro (NM_001048172.2); c.1601G>C, p.Arg534Pro (NM_001128425.2); c.1562G>C, p.Arg521Pro (NM_001293190.2); c.1550G>C, p.Arg517Pro (NM_001293191.2); c.1241G>C, p.Arg414Pro (NM_001293192.2, NM_001293196.2); c.1172G>C, p.Arg391Pro (NM_001350650.2, NM_001350651.2); c.1592G>C, p.Arg531Pro (NM_012222.3); short protein forms R391P, R414P, R531P, R506P, R507P, R521P, R534P, R517P.
Identifiers: ClinVar variation 819646 (VCV000819646.17), dbSNP rs3219497, ClinGen allele CA057039.
Genomic context (GRCh38, chr1:45,329,355, plus strand): 5'-TTTCAGAGGTGTCACTGGGCTGCACTGTTGAGGCTGTGTGCATCAGTGGAGATGTGAGAC[C>G]GAAAGAAATTATCCAGGACTTGCTGGCCCATGCGGGGCTTTTTCCGACTGCACGGAGAGG-3'
Protein context (NP_001041639.1, residues 496-516): MGQQVLDNFF[Arg506Pro]SHISTDAHSL